The following is an entry in ClinVar:

NM_004006.3(DMD):c.1627A>T (p.Ile543Phe)

Gene: DMD (dystrophin; minus strand). Cytogenetic location: Xp21.1.
Variant type: single nucleotide variant.
Coding change: c.1627A>T on transcript NM_004006.3 (MANE Select); coding-DNA position 1627, A replaced by T.
Protein change: p.Ile543Phe; replaces isoleucine 543 with phenylalanine.
Molecular consequence: missense variant.
Genome position (GRCh38, 1-based): chrX:32,573,822, T>A on the plus strand (A>T on the coding strand, the complement: DMD is on the minus strand). VCF-style: chrX-32573822-T-A. GRCh37 (hg19) VCF-style: chrX-32591939-T-A.
Other names: c.1603A>T, p.Ile535Phe (NM_000109.4); c.1615A>T, p.Ile539Phe (NM_004009.3); c.1258A>T, p.Ile420Phe (NM_004010.3); short protein forms I543F, I420F, I535F, I539F.
Identifiers: ClinVar variation 1400001 (VCV001400001.6), dbSNP rs2149138828, ClinGen allele CA412673484.

ClinVar aggregate classification (germline): Uncertain significance (1 of 4 stars; one submission).

Conditions:
Duchenne muscular dystrophy (DMD). Also called: MUSCULAR DYSTROPHY, PSEUDOHYPERTROPHIC PROGRESSIVE, DUCHENNE TYPE; Duchenne Muscular Dystrophy (DMD). Identifiers: Orphanet 98896, MedGen C0013264, MONDO:0010679, OMIM 310200.

Submission:

Labcorp Genetics (formerly Invitae), Labcorp
Classification: Uncertain significance for Duchenne muscular dystrophy. Last evaluated: 2021-11-20. Review status: criteria provided, single submitter. Criteria: Invitae Variant Classification Sherloc (09022015). Collection method: clinical testing. Allele origin: germline.
Comment: In summary, the available evidence is currently insufficient to determine the role of this variant in disease. Therefore, it has been classified as a Variant of Uncertain Significance. Algorithms developed to predict the effect of missense changes on protein structure and function are either unavailable or do not agree on the potential impact of this missense change (SIFT: "Deleterious"; PolyPhen-2: "Possibly Damaging"; Align-GVGD: "Class C0"). This variant has not been reported in the literature in individuals affected with DMD-related conditions. This variant is not present in population databases (gnomAD no frequency). This sequence change replaces isoleucine, which is neutral and non-polar, with phenylalanine, which is neutral and non-polar, at codon 543 of the DMD protein (p.Ile543Phe).